The following is an entry in ClinVar:

NM_001212.4(C1QBP):c.242C>G (p.Ala81Gly)

Gene: C1QBP (complement C1q binding protein; minus strand). Cytogenetic location: 17p13.2.
Variant type: single nucleotide variant.
Coding change: c.242C>G on transcript NM_001212.4 (MANE Select); coding-DNA position 242, C replaced by G.
Protein change: p.Ala81Gly; replaces alanine 81 with glycine.
Molecular consequence: missense variant.
Genome position (GRCh38, 1-based): chr17:5,438,264, G>C on the plus strand (C>G on the coding strand, the complement: C1QBP is on the minus strand). VCF-style: chr17-5438264-G-C. GRCh37 (hg19) VCF-style: chr17-5341584-G-C.
Other names: c.242C>G (NM_001212.3); short protein forms A81G.
Identifiers: ClinVar variation 1917084 (VCV001917084.6), dbSNP rs1916328996, ClinGen allele CA397373527.

ClinVar aggregate classification (germline): Uncertain significance. Review status: criteria provided, multiple submitters, no conflicts (2 of 4 stars). 2 submissions from 2 submitters: Uncertain significance (2). Last evaluated 2024-08-04.

Conditions:
Inborn genetic diseases. Identifiers: MedGen C0950123, MeSH D030342.

Allele frequency attached by ClinVar (database versions not stated): gnomAD exomes below 0.00001; TOPMed below 0.00001.

Submissions (2):

Ambry Genetics
Classification: Uncertain significance for Inborn genetic diseases. Last evaluated: 2024-08-04. Review status: criteria provided, single submitter. Criteria: Ambry Variant Classification Scheme 2023. Collection method: clinical testing. Allele origin: germline.

Labcorp Genetics (formerly Invitae), Labcorp
Classification: Uncertain significance. Last evaluated: 2021-12-19. Review status: criteria provided, single submitter. Criteria: Invitae Variant Classification Sherloc (09022015). Collection method: clinical testing. Allele origin: germline.
Comment: In summary, the available evidence is currently insufficient to determine the role of this variant in disease. Therefore, it has been classified as a Variant of Uncertain Significance. Algorithms developed to predict the effect of sequence changes on RNA splicing suggest that this variant may create or strengthen a splice site. Algorithms developed to predict the effect of missense changes on protein structure and function are either unavailable or do not agree on the potential impact of this missense change (SIFT: "Tolerated"; PolyPhen-2: "Possibly Damaging"; Align-GVGD: "Class C0"). This variant has not been reported in the literature in individuals affected with C1QBP-related conditions. This variant is not present in population databases (gnomAD no frequency). This sequence change replaces alanine, which is neutral and non-polar, with glycine, which is neutral and non-polar, at codon 81 of the C1QBP protein (p.Ala81Gly).